The following is an entry in ClinVar:

NM_178452.6(DNAAF1):c.1328C>A (p.Pro443Gln)

Gene: DNAAF1 (dynein axonemal assembly factor 1; plus strand). Cytogenetic location: 16q24.1.
Variant type: single nucleotide variant.
Coding change: c.1328C>A on transcript NM_178452.6 (MANE Select); coding-DNA position 1328, C replaced by A.
Protein change: p.Pro443Gln; replaces proline 443 with glutamine.
Molecular consequence: missense variant.
Genome position (GRCh38, 1-based): chr16:84,170,156, C>A. VCF-style: chr16-84170156-C-A. GRCh37 (hg19) VCF-style: chr16-84203762-C-A.
Other names: c.620C>A, p.Pro207Gln (NM_001318756.1); short protein forms P443Q, P207Q.
Identifiers: ClinVar variation 1392966 (VCV001392966.8), dbSNP rs1242687898, ClinGen allele CA396948227.
Genomic context (GRCh38, chr16:84,170,156, plus strand): 5'-TGTCGTCACCTGTGGAGGTTAAAGGAGAGGACGGAGATGGAGAGCCAGAGGGGACCCTCC[C>A]AGCTGAGGCCCCACCACCCCCGCCACCTGTGGAGGTTAAAGGAGAGGATGGAGATCAAGA-3'
Protein context (NP_848547.4, residues 433-453): DGDGEPEGTL[Pro443Gln]AEAPPPPPPV

ClinVar aggregate classification (germline): Uncertain significance (1 of 4 stars; one submission).

Conditions:
Primary ciliary dyskinesia. Also called: Ciliary dyskinesia. Identifiers: Orphanet 244, MedGen C0008780, MONDO:0016575, HP:0012265.

Allele frequency attached by ClinVar (database versions not stated): gnomAD exomes below 0.00001.

Submission:

Labcorp Genetics (formerly Invitae), Labcorp
Classification: Uncertain significance for Primary ciliary dyskinesia. Last evaluated: 2024-01-19. Review status: criteria provided, single submitter. Criteria: Invitae Variant Classification Sherloc (09022015). Collection method: clinical testing. Allele origin: germline.
Comment: This sequence change replaces proline, which is neutral and non-polar, with glutamine, which is neutral and polar, at codon 443 of the DNAAF1 protein (p.Pro443Gln). This variant is present in population databases (no rsID available, gnomAD 0.003%). This variant has not been reported in the literature in individuals affected with DNAAF1-related conditions. ClinVar contains an entry for this variant (Variation ID: 1392966). An algorithm developed to predict the effect of missense changes on protein structure and function (PolyPhen-2) suggests that this variant is likely to be tolerated. In summary, the available evidence is currently insufficient to determine the role of this variant in disease. Therefore, it has been classified as a Variant of Uncertain Significance.